The following is an entry in ClinVar:

NM_021224.6(ZNF462):c.7308C>T (p.His2436=)

Genes: ZNF462 (zinc finger protein 462; plus strand), LOC340512 (uncharacterized LOC340512; minus strand). Cytogenetic location: 9q31.2.
Variant type: single nucleotide variant.
Coding change: c.7308C>T on transcript NM_021224.6 (MANE Select); coding-DNA position 7308, C replaced by T.
Protein change: p.His2436=; no amino-acid change (histidine 2436 retained).
Molecular consequence: synonymous variant.
Genome position (GRCh38, 1-based): chr9:107,009,663, C>T. VCF-style: chr9-107009663-C-T. GRCh37 (hg19) VCF-style: chr9-109771944-C-T.
Other names: c.4713C>T, p.His1571= (NM_001347997.2).
Identifiers: ClinVar variation 2659406 (VCV002659406.24), dbSNP rs377629764, ClinGen allele CA5172462.

ClinVar aggregate classification (germline): Likely benign (1 of 4 stars; one submission).

Allele frequency attached by ClinVar (database versions not stated): gnomAD 0.00003; ExAC 0.00005; TOPMed 0.00005; ESP Exome Variant Server 0.00008; gnomAD exomes 0.00010.
gnomAD v4.1: 136 of 1,466,822 alleles (0.0093%); highest among the groups gnomAD compares: Middle Eastern, 0.082%; no homozygotes.

Submission:

CeGaT Center for Human Genetics Tuebingen
Classification: Likely benign. Last evaluated: 2025-08-01. Review status: criteria provided, single submitter. Criteria: CeGaT Center For Human Genetics Tuebingen Variant Classification Criteria Version 2. Collection method: clinical testing. Allele origin: germline. Affected: yes. Observed: 2 variant alleles.
Comment: ZNF462: BP4, BP7